The following is an entry in ClinVar:

ClinVar aggregate classification (germline): Pathogenic. Review status: reviewed by expert panel (3 of 4 stars). 16 submissions from 15 submitters: Pathogenic (1). 15 of the submissions do not count toward it. Last evaluated 2020-02-14.

Conditions:
Fetal anomalies with a likely genetic cause.
Cardiovascular phenotype. Identifiers: MedGen CN230736.
Glycogen storage disease, type II (IOPD). Also called: CARDIOMEGALIA GLYCOGENICA DIFFUSA; GLYCOGENOSIS, GENERALIZED, CARDIAC FORM; GSD II; Glucosidase acid-1,4-alpha deficiency; Pompe Disease; POMPE DISEASE, INFANTILE-ONSET. Identifiers: Orphanet 365, MedGen C0017921, MONDO:0009290, OMIM 232300.
Glycogen storage disease. Also called: glycogen storage disorder; Disorder of glycogen metabolism. Identifiers: Orphanet 79201, MedGen C0017919, MONDO:0002412.

Allele frequency attached by ClinVar (database versions not stated): TOPMed 0.00002; gnomAD exomes 0.00003; ExAC 0.00004; gnomAD 0.00004 and 0.00005.

Submissions 1 to 11 of 16:

ClinGen Lysosomal Storage Disorder Variant Curation Expert Panel
Classification: Pathogenic for Glycogen storage disease, type II. Last evaluated: 2020-02-14. Review status: reviewed by expert panel. Criteria: ClinGen LSD ACMG Specifications v1. Collection method: curation. Allele origin: germline. Inheritance: Autosomal recessive inheritance.
Comment: This variant, c.1827delC (p.Tyr609Terfs), is a frameshift variant that is predicted to result in a premature termination codon, nonsense mediated decay, and lack of gene product. Therefore, PVS1 can be applied. This is supported by the absence of cross reactive immunological material studies in cultured fibroblasts from a patient with the variant (PMID 22252923). The highest maximum population minor allele frequency for this variant in gnomAD v2.1.1 is 0.00007181 in the European non-Finnish population. This meets the ClinGen LSD VCEP's threshold for PM2. This variant was found in compound heterozygosity with a unique pathogenic variant in GAA in two patients with Pompe disease who also meet the ClinGen LSD VCEP's specifications for PP4; one of these patients is compound heterozygous for p.Tyr609Terfs and c.2481+102_2646 + 31del, and the other is compound heterozygous for p.Tyr609Terfs and c.-32-13T>G (PMIDs 26693141, 30655185). Therefore, PP4 and PM3 can be applied. Additional cases have been reported but were not included because the residual GAA activity was not provided and therefore PP4 cannot be assessed (PMID 14695532, 30564623). There is a ClinVar entry for this variant (Variation ID: 188936, 2 star review status) with 3 submitters classifying the variant as pathogenic and one as likely pathogenic. In summary, this variant meets the criteria to be classified as pathogenic for Pompe disease. GAA-specific ACMG/AMP criteria applied, as specified by the ClinGen LSD VCEP: PVS1, PM2, PM3, PP4.

CeGaT Center for Human Genetics Tuebingen
Classification: Pathogenic. Last evaluated: 2026-09-01. Review status: criteria provided, single submitter. Criteria: CeGaT Center For Human Genetics Tuebingen Variant Classification Criteria Version 2. Collection method: clinical testing. Allele origin: germline. Affected: yes. Observed: 2 variant alleles. Not counted in ClinVar's aggregate classification.
Comment: GAA: PVS1, PM3:Strong, PM2

Genomenon, Inc
Classification: Pathogenic for Glycogen storage disease, type II. Last evaluated: 2026-07-01. Review status: criteria provided, single submitter. Criteria: Genomenon Sequence Variant Interpretation Standards - Updated. Collection method: curation. Allele origin: germline. Affected: yes. Not counted in ClinVar's aggregate classification.
Comment: GAA p.Tyr609Ter (c.1827del) is a nonsense variant that introduces a premature stop codon at amino acid position 609 and is predicted to result in a truncated or absent protein product. This variant has been observed in at least one proband with a GAA-related disorder (PMID:38313679;37701327;37087815;35948506;34357340;30655185;26693141). It is absent or not present at a significant frequency in gnomAD. In conclusion, we classify GAA p.Tyr609Ter (c.1827del) as a pathogenic variant.

Genetics Laboratory, Great Ormond Street Hospital NHS Foundation Trust, North Thames Genomic Laboratory Hub
Classification: Pathogenic for Glycogen storage disease. Last evaluated: 2026-02-09. Review status: criteria provided, single submitter. Criteria: ACGS Best Practice Guidelines for Variant Classification in Rare Disease 2024 v1.2. Collection method: clinical testing. Allele origin: germline. Affected: yes. Not counted in ClinVar's aggregate classification.
Comment: PS4_moderate, PVS1_very-strong, PP4_strong

Genetics Laboratory, Great Ormond Street Hospital NHS Foundation Trust, North Thames Genomic Laboratory Hub
Classification: Pathogenic for Fetal anomalies with a likely genetic cause. Last evaluated: 2026-02-09. Review status: criteria provided, single submitter. Criteria: ACGS Best Practice Guidelines for Variant Classification in Rare Disease 2024 v1.2. Collection method: clinical testing. Allele origin: germline. Affected: yes. Not counted in ClinVar's aggregate classification.
Comment: the same text as in the submission from Genetics Laboratory, Great Ormond Street Hospital NHS Foundation Trust, North Thames Genomic Laboratory Hub above.

Labcorp Genetics (formerly Invitae), Labcorp
Classification: Pathogenic for Glycogen storage disease, type II. Last evaluated: 2026-01-28. Review status: criteria provided, single submitter. Criteria: Invitae Variant Classification Sherloc (09022015). Collection method: clinical testing. Allele origin: germline. Not counted in ClinVar's aggregate classification.
Comment: This sequence change creates a premature translational stop signal (p.Tyr609*) in the GAA gene. It is expected to result in an absent or disrupted protein product. Loss-of-function variants in GAA are known to be pathogenic (PMID: 18425781, 22252923). This variant is present in population databases (rs781088002, gnomAD 0.008%). This premature translational stop signal has been observed in individuals with glycogen storage disease (PMID: 12897283, 14695532, 24269976). ClinVar contains an entry for this variant (Variation ID: 188936). For these reasons, this variant has been classified as Pathogenic.

Natera, Inc.
Classification: Pathogenic for Glycogen storage disease type II. Last evaluated: 2025-09-15. Review status: criteria provided, single submitter. Criteria: Natera Variant Classification Schema (03/2026). Collection method: clinical testing. Allele origin: germline. Not counted in ClinVar's aggregate classification.
Comment: The c.1827delC variant in GAA is a frameshift variant predicted to shift the reading frame and introduce a stop codon. This variant is expected to result in nonsense mediated decay, truncation, or a dysfunctional protein product. This variant is rare in the general population with a frequency below the threshold expected for the associated phenotype(s). This variant has been observed in one or more individuals affected with the associated recessive disease, as either homozygous or compound heterozygous with a second variant (PMID: 31086307, 14695532). Given the available evidence, this variant is classified as Pathogenic.

Ambry Genetics
Classification: Pathogenic for Cardiovascular phenotype. Last evaluated: 2025-03-25. Review status: criteria provided, single submitter. Criteria: Ambry Variant Classification Scheme 2023. Collection method: clinical testing. Allele origin: germline. Not counted in ClinVar's aggregate classification.
Comment: The c.1827delC pathogenic mutation, located in coding exon 12 of the GAA gene, results from a deletion of one nucleotide at nucleotide position 1827, causing a translational frameshift with a predicted alternate stop codon (p.Y609*). This variant has been identified in the homozygous state and/or in conjunction with other GAA variant(s) in individual(s) with features consistent with glycogen storage disease II (Hermans MM et al. Hum Mutat, 2004 Jan;23:47-56; Mori M et al. Mol Genet Metab, 2017 Dec;122:189-197; Saville JT et al. Metabolites, 2021 Jul;11). This variant is considered to be rare based on population cohorts in the Genome Aggregation Database (gnomAD). This alteration is expected to result in loss of function by premature protein truncation or nonsense-mediated mRNA decay. As such, this alteration is interpreted as a disease-causing mutation.

Revvity Omics, Revvity
Classification: Pathogenic. Last evaluated: 2025-02-10. Review status: criteria provided, single submitter. Criteria: ACMG Guidelines, 2015. Collection method: clinical testing. Allele origin: germline. Not counted in ClinVar's aggregate classification.

GeneDx
Classification: Pathogenic. Last evaluated: 2024-07-09. Review status: criteria provided, single submitter. Criteria: GeneDx Variant Classification Process June 2021. Collection method: clinical testing. Allele origin: germline. Affected: yes. Not counted in ClinVar's aggregate classification.
Comment: Nonsense variant predicted to result in protein truncation or nonsense mediated decay in a gene for which loss of function is a known mechanism of disease; Not observed at significant frequency in large population cohorts (gnomAD); This variant is associated with the following publications: (PMID: 23891399, 30564623, 31086307, 30655185, 29122469, 26693141, 22252923, SavilleJT2021[Case-report], 35948506, 37701327, 34357340, 12897283, 24269976, 14695533, 38313679, 14695532)

Fulgent Genetics
Classification: Pathogenic for Glycogen storage disease, type II. Last evaluated: 2024-05-29. Review status: criteria provided, single submitter. Criteria: ACMG Guidelines, 2015. Collection method: clinical testing. Allele origin: germline. Not counted in ClinVar's aggregate classification.

NM_000152.5(GAA):c.1827del (p.Arg608_Tyr609insTer)

Gene: GAA (alpha glucosidase; plus strand). Cytogenetic location: 17q25.3.
Variant type: Deletion.
Coding change: c.1827del on transcript NM_000152.5 (MANE Select); coding-DNA position 1827, one base deleted (C; older notation c.1827delC).
Protein change: p.Arg608_Tyr609insTer.
Molecular consequence: nonsense.
Genome position (GRCh38, 1-based): chr17:80,112,650, C deleted. VCF-style (leftmost placement, unchanged base first): chr17-80112649-AC-A. GRCh37 (hg19) VCF-style: chr17-78086448-AC-A.
Other names: c.1827del (LRG_673t1, NM_000152.3); c.1827del, p.Arg608_Tyr609insTer (NM_001079803.3, NM_001079804.3); c.1827delC (NM_000152.5).
Identifiers: ClinVar variation 188936 (VCV000188936.41), dbSNP rs781088002, ClinGen allele CA274153.